The following is an entry in ClinVar:

ClinVar aggregate classification (germline): Uncertain significance. Review status: criteria provided, multiple submitters, no conflicts (2 of 4 stars). 3 submissions from 3 submitters: Uncertain significance (3). Last evaluated 2026-03-31.

Submissions (3):

GeneDx
Classification: Uncertain significance. Last evaluated: 2026-03-31. Review status: criteria provided, single submitter. Criteria: GeneDx Variant Classification Process June 2021. Collection method: clinical testing. Allele origin: germline.
Comment: Not observed at significant frequency in large population cohorts (gnomAD); In silico analysis suggests that this missense variant does not alter protein structure/function; Has not been previously published as pathogenic or benign to our knowledge

Labcorp Genetics (formerly Invitae), Labcorp
Classification: Uncertain significance. Last evaluated: 2025-07-31. Review status: criteria provided, single submitter. Criteria: Invitae Variant Classification Sherloc (09022015). Collection method: clinical testing. Allele origin: germline.
Comment: This sequence change replaces arginine, which is basic and polar, with glutamine, which is neutral and polar, at codon 224 of the MARS2 protein (p.Arg224Gln). This variant is present in population databases (no rsID available, gnomAD 0.003%). This variant has not been reported in the literature in individuals affected with MARS2-related conditions. ClinVar contains an entry for this variant (Variation ID: 3379408). Invitae Evidence Modeling of protein sequence and biophysical properties (such as structural, functional, and spatial information, amino acid conservation, physicochemical variation, residue mobility, and thermodynamic stability) indicates that this missense variant is not expected to disrupt MARS2 protein function with a negative predictive value of 80%. In summary, the available evidence is currently insufficient to determine the role of this variant in disease. Therefore, it has been classified as a Variant of Uncertain Significance.

Mayo Clinic Laboratories, Mayo Clinic
Classification: Uncertain significance. Last evaluated: 2024-03-28. Review status: criteria provided, single submitter. Criteria: ACMG Guidelines, 2015. Collection method: clinical testing. Allele origin: germline. Observed: 1 variant allele.
Comment: BP4, PM2

NM_138395.4(MARS2):c.671G>A (p.Arg224Gln)

Gene: MARS2 (methionyl-tRNA synthetase 2, mitochondrial; plus strand). Cytogenetic location: 2q33.1.
Variant type: single nucleotide variant.
Coding change: c.671G>A on transcript NM_138395.4 (MANE Select); coding-DNA position 671, G replaced by A.
Protein change: p.Arg224Gln; replaces arginine 224 with glutamine.
Molecular consequence: missense variant.
Genome position (GRCh38, 1-based): chr2:197,706,076, G>A. VCF-style: chr2-197706076-G-A. GRCh37 (hg19) VCF-style: chr2-198570800-G-A.
Other names: p.Arg224Gln; c.671G>A (NM_138395.3); short protein forms R224Q.
Identifiers: ClinVar variation 3379408 (VCV003379408.3).